The following is an entry in ClinVar:

ClinVar aggregate classification (germline): Pathogenic (1 of 4 stars; one submission).

Submission:

Labcorp Genetics (formerly Invitae), Labcorp
Classification: Pathogenic. Last evaluated: 2022-06-29. Review status: criteria provided, single submitter. Criteria: Invitae Variant Classification Sherloc (09022015). Collection method: clinical testing. Allele origin: germline.
Comment: This sequence change creates a premature translational stop signal (p.Ala175Glyfs*29) in the MYO18B gene. It is expected to result in an absent or disrupted protein product. Loss-of-function variants in MYO18B are known to be pathogenic (PMID: 25748484, 32184166, 32637634). This variant is not present in population databases (gnomAD no frequency). This variant has not been reported in the literature in individuals affected with MYO18B-related conditions. Algorithms developed to predict the effect of sequence changes on RNA splicing suggest that this variant may create or strengthen a splice site. For these reasons, this variant has been classified as Pathogenic.

Literature cited by the submitters: PubMed 25748484; PubMed 32184166; PubMed 32637634.

NM_032608.7(MYO18B):c.523_524insGGGGGGGGGGGGGGGGGGG (p.Ala175fs)

Gene: MYO18B (myosin XVIIIB; plus strand). Cytogenetic location: 22q12.1.
Variant type: Insertion.
Coding change: c.523_524insGGGGGGGGGGGGGGGGGGG on transcript NM_032608.7 (MANE Select); coding-DNA positions 523 to 524, GGGGGGGGGGGGGGGGGGG inserted.
Protein change: p.Ala175fs; shifts the reading frame from alanine 175.
Molecular consequence: frameshift variant.
Genome position: GRCh38 VCF-style: chr22-25768438-C-CGGGGGGGGGGGGGGGGGGG. GRCh37 (hg19) VCF-style: chr22-26164405-C-CGGGGGGGGGGGGGGGGGGG.
Other names: c.523_524insGGGGGGGGGGGGGGGGGGG, p.Ala175fs (NM_001318245.2); short protein forms A175fs.
Identifiers: ClinVar variation 2198750 (VCV002198750.1), dbSNP rs2517652550, ClinGen allele CA2580099314.